The following is an entry in ClinVar:

ClinVar aggregate classification (germline): Uncertain significance (1 of 4 stars; one submission).

Conditions:
Neurofibromatosis, type 1 (NF1). Also called: Peripheral type neurofibromatosis; VON RECKLINGHAUSEN DISEASE; Neurofibromatosis, type I; NEUROFIBROMATOSIS, TYPE I, SOMATIC. Identifiers: Orphanet 636, MedGen C0027831, MONDO:0018975, OMIM 162200. Disease mechanism: loss of function.

gnomAD v4.1: 3 of 152,250 alleles (0.002%); highest among the groups gnomAD compares: South Asian, 0.021%; no homozygotes.

Submission:

Institute of Human Genetics, University of Leipzig Medical Center
Classification: Uncertain significance for Neurofibromatosis, type 1. Last evaluated: 2025-12-01. Review status: criteria provided, single submitter. Criteria: ACMG Guidelines, 2015. Collection method: clinical testing. Allele origin: unknown. Inheritance: Autosomal dominant inheritance. Affected: yes.
Comment: Criteria applied: PM2_SUP,PP4

NM_001042492.3(NF1):c.288+2001G>A

Gene: NF1 (neurofibromin 1; plus strand). Cytogenetic location: 17q11.2.
Variant type: single nucleotide variant.
Coding change: c.288+2001G>A on transcript NM_001042492.3 (MANE Select); 2001 bases into the intron after coding-DNA position 288, G replaced by A.
Molecular consequence: intron variant.
Genome position (GRCh38, 1-based): chr17:31,161,094, G>A. VCF-style: chr17-31161094-G-A. GRCh37 (hg19) VCF-style: chr17-29488112-G-A.
Other names: c.288+2001G>A (NM_000267.4, NM_001128147.3).
Identifiers: ClinVar variation 4683096 (VCV004683096.1).